The following is an entry in ClinVar:

ClinVar aggregate classification (germline): Conflicting classifications of pathogenicity. Review status: criteria provided, conflicting classifications (1 of 4 stars). 2 submissions from 2 submitters: Uncertain significance (1); Likely benign (1). Last evaluated 2024-11-22.

Conditions:
Hereditary cancer-predisposing syndrome. Also called: Neoplastic Syndromes, Hereditary; Hereditary Cancer Syndrome; Tumor predisposition; Hereditary neoplastic syndrome. Identifiers: Orphanet 140162, MedGen C0027672, MeSH D009386, MONDO:0015356.
Familial cancer of breast. Also called: hereditary breast carcinoma; Hereditary breast cancer; BREAST CANCER, FAMILIAL. Identifiers: Orphanet 227535, MedGen C0346153, MONDO:0016419, OMIM 114480. Disease mechanism: loss of function.

Submissions (2):

Ambry Genetics
Classification: Likely benign for Hereditary cancer-predisposing syndrome. Last evaluated: 2024-11-22. Review status: criteria provided, single submitter. Criteria: Ambry Variant Classification Scheme 2023. Collection method: clinical testing. Allele origin: germline.

Labcorp Genetics (formerly Invitae), Labcorp
Classification: Uncertain significance for Familial cancer of breast. Last evaluated: 2024-05-13. Review status: criteria provided, single submitter. Criteria: Invitae Variant Classification Sherloc (09022015). Collection method: clinical testing. Allele origin: germline.
Comment: This sequence change replaces lysine, which is basic and polar, with glutamic acid, which is acidic and polar, at codon 185 of the PALB2 protein (p.Lys185Glu). This variant is not present in population databases (gnomAD no frequency). This variant has not been reported in the literature in individuals affected with PALB2-related conditions. ClinVar contains an entry for this variant (Variation ID: 1039308). Algorithms developed to predict the effect of missense changes on protein structure and function output the following: SIFT: "Not Available"; PolyPhen-2: "Benign"; Align-GVGD: "Not Available". The glutamic acid amino acid residue is found in multiple mammalian species, which suggests that this missense change does not adversely affect protein function. In summary, the available evidence is currently insufficient to determine the role of this variant in disease. Therefore, it has been classified as a Variant of Uncertain Significance.

NM_024675.4(PALB2):c.553A>G (p.Lys185Glu)

Gene: PALB2 (partner and localizer of BRCA2; minus strand). Cytogenetic location: 16p12.2.
Variant type: single nucleotide variant.
Coding change: c.553A>G on transcript NM_024675.4 (MANE Select); coding-DNA position 553, A replaced by G.
Protein change: p.Lys185Glu; replaces lysine 185 with glutamic acid.
Molecular consequence: missense variant.
Genome position (GRCh38, 1-based): chr16:23,635,993, T>C on the plus strand (A>G on the coding strand, the complement: PALB2 is on the minus strand). VCF-style: chr16-23635993-T-C. GRCh37 (hg19) VCF-style: chr16-23647314-T-C.
Other names: c.553A>G (NM_024675.3); short protein forms K185E.
Identifiers: ClinVar variation 1039308 (VCV001039308.10), dbSNP rs1967038738, ClinGen allele CA395136852.